The following is an entry in ClinVar:

NM_012418.4(FSCN2):c.893A>G (p.Gln298Arg)

Gene: FSCN2 (fascin actin-bundling protein 2, retinal; plus strand). Cytogenetic location: 17q25.3.
Variant type: single nucleotide variant.
Coding change: c.893A>G on transcript NM_012418.4 (MANE Select); coding-DNA position 893, A replaced by G.
Protein change: p.Gln298Arg; replaces glutamine 298 with arginine.
Molecular consequence: missense variant.
Genome position (GRCh38, 1-based): chr17:81,535,118, A>G. VCF-style: chr17-81535118-A-G. GRCh37 (hg19) VCF-style: chr17-79502144-A-G.
Other names: c.893A>G, p.Gln298Arg (NM_001077182.3); short protein forms Q298R.
Identifiers: ClinVar variation 2102922 (VCV002102922.4), dbSNP rs2544449123, ClinGen allele CA401475706.

ClinVar aggregate classification (germline): Uncertain significance (1 of 4 stars; one submission).

Allele frequency attached by ClinVar (database versions not stated): gnomAD exomes 0.00002.
gnomAD v4.1: 21 of 1,534,020 alleles (0.0014%); highest among the groups gnomAD compares: Non-Finnish European, 0.0017%; no homozygotes.

Submission:

Labcorp Genetics (formerly Invitae), Labcorp
Classification: Uncertain significance. Last evaluated: 2022-03-11. Review status: criteria provided, single submitter. Criteria: Invitae Variant Classification Sherloc (09022015). Collection method: clinical testing. Allele origin: germline.
Comment: In summary, the available evidence is currently insufficient to determine the role of this variant in disease. Therefore, it has been classified as a Variant of Uncertain Significance. Algorithms developed to predict the effect of missense changes on protein structure and function output the following: SIFT: "Tolerated"; PolyPhen-2: "Benign"; Align-GVGD: "Class C0". The arginine amino acid residue is found in multiple mammalian species, which suggests that this missense change does not adversely affect protein function. This variant has not been reported in the literature in individuals affected with FSCN2-related conditions. This variant is not present in population databases (gnomAD no frequency). This sequence change replaces glutamine, which is neutral and polar, with arginine, which is basic and polar, at codon 298 of the FSCN2 protein (p.Gln298Arg).